The following is an entry in ClinVar:

ClinVar aggregate classification (germline): Uncertain significance. Review status: criteria provided, multiple submitters, no conflicts (2 of 4 stars). 2 submissions from 2 submitters: Uncertain significance (2). Last evaluated 2025-11-06.

Conditions:
Inborn genetic diseases. Identifiers: MedGen C0950123, MeSH D030342.

Submissions (2):

Ambry Genetics
Classification: Uncertain significance for Inborn genetic diseases. Last evaluated: 2025-11-06. Review status: criteria provided, single submitter. Criteria: Ambry Variant Classification Scheme 2023. Collection method: clinical testing. Allele origin: germline.

Labcorp Genetics (formerly Invitae), Labcorp
Classification: Uncertain significance. Last evaluated: 2023-05-24. Review status: criteria provided, single submitter. Criteria: Invitae Variant Classification Sherloc (09022015). Collection method: clinical testing. Allele origin: germline.
Comment: This variant is not present in population databases (gnomAD no frequency). This variant has not been reported in the literature in individuals affected with HIVEP2-related conditions. Algorithms developed to predict the effect of missense changes on protein structure and function output the following: SIFT: "Not Available"; PolyPhen-2: "Benign"; Align-GVGD: "Not Available". The leucine amino acid residue is found in multiple mammalian species, which suggests that this missense change does not adversely affect protein function. In summary, the available evidence is currently insufficient to determine the role of this variant in disease. Therefore, it has been classified as a Variant of Uncertain Significance. This sequence change replaces methionine, which is neutral and non-polar, with leucine, which is neutral and non-polar, at codon 724 of the HIVEP2 protein (p.Met724Leu).

NM_006734.4(HIVEP2):c.2170A>C (p.Met724Leu)

Gene: HIVEP2 (HIVEP zinc finger 2; minus strand). Cytogenetic location: 6q24.2.
Variant type: single nucleotide variant.
Coding change: c.2170A>C on transcript NM_006734.4 (MANE Select); coding-DNA position 2170, A replaced by C.
Protein change: p.Met724Leu; replaces methionine 724 with leucine.
Molecular consequence: missense variant.
Genome position (GRCh38, 1-based): chr6:142,772,569, T>G on the plus strand (A>C on the coding strand, the complement: HIVEP2 is on the minus strand). VCF-style: chr6-142772569-T-G. GRCh37 (hg19) VCF-style: chr6-143093706-T-G.
Other names: c.2170A>C (NM_006734.3); short protein forms M724L.
Identifiers: ClinVar variation 2877795 (VCV002877795.4), dbSNP rs757602592, ClinGen allele CA365911016.